The following is an entry in ClinVar:

NM_020461.4(TUBGCP6):c.4964G>A (p.Ser1655Asn)

Gene: TUBGCP6 (tubulin gamma complex component 6; minus strand). Cytogenetic location: 22q13.33.
Variant type: single nucleotide variant.
Coding change: c.4964G>A on transcript NM_020461.4 (MANE Select); coding-DNA position 4964, G replaced by A.
Protein change: p.Ser1655Asn; replaces serine 1655 with asparagine.
Molecular consequence: missense variant.
Genome position (GRCh38, 1-based): chr22:50,218,393, C>T on the plus strand (G>A on the coding strand, the complement: TUBGCP6 is on the minus strand). VCF-style: chr22-50218393-C-T. GRCh37 (hg19) VCF-style: chr22-50656822-C-T.
Other names: short protein forms S1655N.
Identifiers: ClinVar variation 2094739 (VCV002094739.4), dbSNP rs1269340654, ClinGen allele CA412164993.

ClinVar aggregate classification (germline): Uncertain significance (1 of 4 stars; one submission).

Allele frequency attached by ClinVar (database versions not stated): gnomAD exomes below 0.00001; gnomAD 0.00001.
gnomAD v4.1: 3 of 1,612,918 alleles (0.00019%); highest among the groups gnomAD compares: East Asian, 0.0022%; no homozygotes.

Submission:

Labcorp Genetics (formerly Invitae), Labcorp
Classification: Uncertain significance. Last evaluated: 2022-02-08. Review status: criteria provided, single submitter. Criteria: Invitae Variant Classification Sherloc (09022015). Collection method: clinical testing. Allele origin: germline.
Comment: Algorithms developed to predict the effect of missense changes on protein structure and function output the following: SIFT: "Tolerated"; PolyPhen-2: "Possibly Damaging"; Align-GVGD: "Class C0". The asparagine amino acid residue is found in multiple mammalian species, which suggests that this missense change does not adversely affect protein function. In summary, the available evidence is currently insufficient to determine the role of this variant in disease. Therefore, it has been classified as a Variant of Uncertain Significance. This variant has not been reported in the literature in individuals affected with TUBGCP6-related conditions. This variant is not present in population databases (gnomAD no frequency). This sequence change replaces serine, which is neutral and polar, with asparagine, which is neutral and polar, at codon 1655 of the TUBGCP6 protein (p.Ser1655Asn).